The following is an entry in ClinVar:

NM_004563.4(PCK2):c.1607G>A (p.Arg536Gln)

Genes: NRL (neural retina leucine zipper; minus strand), PCK2 (phosphoenolpyruvate carboxykinase 2, mitochondrial; plus strand). Cytogenetic location: 14q12.
Variant type: single nucleotide variant.
Coding change: c.1607G>A on transcript NM_004563.4 (MANE Select); coding-DNA position 1607, G replaced by A.
Protein change: p.Arg536Gln; replaces arginine 536 with glutamine.
Molecular consequence: missense variant. On other transcripts: intron variant (3).
Genome position (GRCh38, 1-based): chr14:24,103,648, G>A. VCF-style: chr14-24103648-G-A. GRCh37 (hg19) VCF-style: chr14-24572857-G-A.
Other names: c.1205G>A, p.Arg402Gln (NM_001291556.2, NM_001308054.2); c.-28+11074C>T (NM_001354768.3, NM_001354770.2); c.-254+11074C>T (NM_006177.5); short protein forms R402Q, R536Q.
Identifiers: ClinVar variation 1367957 (VCV001367957.9), dbSNP rs528726822, ClinGen allele CA7123578.

ClinVar aggregate classification (germline): Conflicting classifications of pathogenicity. Review status: criteria provided, conflicting classifications (1 of 4 stars). 2 submissions from 2 submitters: Uncertain significance (1); Likely benign (1). Last evaluated 2026-08-02.

Conditions:
NRL-related disorder. Also called: NRL-related condition.

Allele frequency attached by ClinVar (database versions not stated): ExAC 0.00006; gnomAD exomes 0.00006 and 0.00009; TOPMed 0.00006; gnomAD 0.00010; 1000 Genomes Project 0.00020; 1000 Genomes Project 30x 0.00031.
gnomAD v4.1: 152 of 1,614,188 alleles (0.0094%); highest among the groups gnomAD compares: Non-Finnish European, 0.011%; no homozygotes.

Submissions (2):

PreventionGenetics, part of Exact Sciences
Classification: Likely benign for NRL-related condition. Last evaluated: 2026-08-02. Review status: criteria provided, single submitter. Criteria: ACMG Guidelines, 2015. Collection method: clinical testing. Allele origin: germline.
Comment: This variant is classified as likely benign based on ACMG/AMP sequence variant interpretation guidelines (Richards et al. 2015 PMID: 25741868, with internal and published modifications).

Labcorp Genetics (formerly Invitae), Labcorp
Classification: Uncertain significance. Last evaluated: 2025-08-12. Review status: criteria provided, single submitter. Criteria: Invitae Variant Classification Sherloc (09022015). Collection method: clinical testing. Allele origin: germline.
Comment: This sequence change replaces arginine, which is basic and polar, with glutamine, which is neutral and polar, at codon 536 of the PCK2 protein (p.Arg536Gln). This variant is present in population databases (rs528726822, gnomAD 0.01%). This variant has not been reported in the literature in individuals affected with PCK2-related conditions. ClinVar contains an entry for this variant (Variation ID: 1367957). Invitae Evidence Modeling of protein sequence and biophysical properties (such as structural, functional, and spatial information, amino acid conservation, physicochemical variation, residue mobility, and thermodynamic stability) indicates that this missense variant is not expected to disrupt PCK2 protein function with a negative predictive value of 80%. In summary, the available evidence is currently insufficient to determine the role of this variant in disease. Therefore, it has been classified as a Variant of Uncertain Significance.